The following is an entry in ClinVar:

NM_001065.4(TNFRSF1A):c.130T>C (p.Cys44Arg)

Gene: TNFRSF1A (TNF receptor superfamily member 1A; minus strand). Cytogenetic location: 12p13.31.
Variant type: single nucleotide variant.
Coding change: c.130T>C on transcript NM_001065.4 (MANE Select); coding-DNA position 130, T replaced by C.
Protein change: p.Cys44Arg; replaces cysteine 44 with arginine.
Molecular consequence: missense variant. On other transcripts: 5 prime UTR variant (1), non-coding transcript variant (1), intron variant (1).
Genome position (GRCh38, 1-based): chr12:6,334,154, A>G on the plus strand (T>C on the coding strand, the complement: TNFRSF1A is on the minus strand). VCF-style: chr12-6334154-A-G. GRCh37 (hg19) VCF-style: chr12-6443320-A-G.
Other names: c.-448T>C (NM_001346092.2); c.-131-289T>C (NM_001346091.2); short protein forms C44R.
Identifiers: ClinVar variation 3768338 (VCV003768338.1).

ClinVar aggregate classification (germline): Uncertain significance (1 of 4 stars; one submission).

Submission:

Women's Health and Genetics/Laboratory Corporation of America, LabCorp
Classification: Uncertain significance. Last evaluated: 2024-12-03. Review status: criteria provided, single submitter. Criteria: LabCorp Variant Classification Summary - May 2015. Collection method: clinical testing. Allele origin: germline.
Comment: Variant summary: TNFRSF1A c.130T>C (p.Cys44Arg) results in a non-conservative amino acid change located in the Tumor necrosis factor receptor superfamily member 1A domain (IPR033993) of the encoded protein sequence. Five of five in-silico tools predict a damaging effect of the variant on protein function. The variant was absent in 250836 control chromosomes. The available data on variant occurrences in the general population are insufficient to allow any conclusion about variant significance. To our knowledge, no occurrence of c.130T>C in individuals affected with TNF receptor-associated periodic fever syndrome (TRAPS) and no experimental evidence demonstrating its impact on protein function have been reported. No submitters have cited clinical-significance assessments for this variant to ClinVar. Based on the evidence outlined above, the variant was classified as uncertain significance.